The following is an entry in ClinVar:

ClinVar aggregate classification (germline): Likely benign (0 of 4 stars; one submission).

Conditions:
UNC5C-related disorder. Also called: UNC5C-related condition.

Allele frequency attached by ClinVar (database versions not stated): ExAC 0.00004; gnomAD 0.00006; ESP Exome Variant Server 0.00008; gnomAD exomes 0.00008; TOPMed 0.00011.
gnomAD v4.1: 127 of 1,614,116 alleles (0.0079%); highest among the groups gnomAD compares: Admixed American, 0.023%; no homozygotes.

Submission:

PreventionGenetics, part of Exact Sciences
Classification: Likely benign for UNC5C-related condition. Last evaluated: 2019-12-02. Review status: no assertion criteria provided. Collection method: clinical testing. Allele origin: germline.
Comment: This variant is classified as likely benign based on ACMG/AMP sequence variant interpretation guidelines (Richards et al. 2015 PMID: 25741868, with internal and published modifications).

NM_003728.4(UNC5C):c.2772C>T (p.Ser924=)

Gene: UNC5C (unc-5 netrin receptor C; minus strand). Cytogenetic location: 4q22.3.
Variant type: single nucleotide variant.
Coding change: c.2772C>T on transcript NM_003728.4 (MANE Select); coding-DNA position 2772, C replaced by T.
Protein change: p.Ser924=; no amino-acid change (serine 924 retained).
Molecular consequence: synonymous variant.
Genome position (GRCh38, 1-based): chr4:95,169,258, G>A on the plus strand (C>T on the coding strand, the complement: UNC5C is on the minus strand). VCF-style: chr4-95169258-G-A. GRCh37 (hg19) VCF-style: chr4-96090409-G-A.
Identifiers: ClinVar variation 3048687 (VCV003048687.2), dbSNP rs371625546, ClinGen allele CA3015296.